The following is an entry in ClinVar:

NM_004821.3(HAND1):c.132C>G (p.Ser44Arg)

Gene: HAND1 (heart and neural crest derivatives expressed 1; minus strand). Cytogenetic location: 5q33.2.
Variant type: single nucleotide variant.
Coding change: c.132C>G on transcript NM_004821.3 (MANE Select); coding-DNA position 132, C replaced by G.
Protein change: p.Ser44Arg; replaces serine 44 with arginine.
Molecular consequence: missense variant.
Genome position (GRCh38, 1-based): chr5:154,477,877, G>C on the plus strand (C>G on the coding strand, the complement: HAND1 is on the minus strand). VCF-style: chr5-154477877-G-C. GRCh37 (hg19) VCF-style: chr5-153857437-G-C.
Other names: short protein forms S44R.
Identifiers: ClinVar variation 2044852 (VCV002044852.8), dbSNP rs145232171, ClinGen allele CA3526635.

ClinVar aggregate classification (germline): Uncertain significance. Review status: criteria provided, multiple submitters, no conflicts (2 of 4 stars). 3 submissions from 3 submitters: Uncertain significance (3). Last evaluated 2025-09-28.

Conditions:
Hypoplastic left heart syndrome. Also called: Hypoplastic left heart; Hypoplastic left ventricle. Identifiers: Orphanet 2248, MedGen C0152101, MONDO:0004933, HP:0004383.

Allele frequency attached by ClinVar (database versions not stated): ESP Exome Variant Server 0.00015.
gnomAD v4.1: 56 of 1,601,156 alleles (0.0035%); highest among the groups gnomAD compares: Non-Finnish European, 0.0047%; no homozygotes.

Submissions (3):

Labcorp Genetics (formerly Invitae), Labcorp
Classification: Uncertain significance for Hypoplastic left heart syndrome. Last evaluated: 2025-09-28. Review status: criteria provided, single submitter. Criteria: Invitae Variant Classification Sherloc (09022015). Collection method: clinical testing. Allele origin: germline.
Comment: This sequence change replaces serine, which is neutral and polar, with arginine, which is basic and polar, at codon 44 of the HAND1 protein (p.Ser44Arg). This variant is present in population databases (rs145232171, gnomAD 0.006%). This variant has not been reported in the literature in individuals affected with HAND1-related conditions. ClinVar contains an entry for this variant (Variation ID: 2044852). An algorithm developed to predict the effect of missense changes on protein structure and function (PolyPhen-2) suggests that this variant is likely to be tolerated. In summary, the available evidence is currently insufficient to determine the role of this variant in disease. Therefore, it has been classified as a Variant of Uncertain Significance.

Ambry Genetics
Classification: Uncertain significance. Last evaluated: 2025-08-30. Review status: criteria provided, single submitter. Criteria: Ambry Variant Classification Scheme 2023. Collection method: clinical testing. Allele origin: germline.

Revvity Omics, Revvity
Classification: Uncertain significance. Last evaluated: 2022-02-22. Review status: criteria provided, single submitter. Criteria: ACMG Guidelines, 2015. Collection method: clinical testing. Allele origin: germline.